The following is an entry in ClinVar:

NM_201378.4(PLEC):c.71-11828G>C

Gene: PLEC (plectin; minus strand). Cytogenetic location: 8q24.3.
Variant type: single nucleotide variant.
Coding change: c.71-11828G>C on transcript NM_201378.4 (MANE Plus Clinical); 11828 bases into the intron before coding-DNA position 71, G replaced by C.
Molecular consequence: intron variant. On other transcripts: missense variant (1).
Genome position (GRCh38, 1-based): chr8:143,950,520, C>G on the plus strand (G>C on the coding strand, the complement: PLEC is on the minus strand). VCF-style: chr8-143950520-C-G. GRCh37 (hg19) VCF-style: chr8-145024688-C-G.
Other names: c.187G>C, p.Glu63Gln (NM_201380.4); c.194-11828G>C (NM_001410941.1, NM_000445.5); c.46+3206G>C (NM_201379.3); short protein forms E63Q.
Identifiers: ClinVar variation 4991592 (VCV004991592.1).
Genomic context (GRCh38, chr8:143,950,520, plus strand): 5'-GGAGGTGGGCGATGCCTTCATTGGTGAGGTACCAGTAAAAGTGGCACCAGGCAAAGGTCT[C>G]GCGGACCAGGCCCCGTGCCCGCAGGGACGCCATGGCACGCATGACCTGCAGGTTGGTGAC-3'

ClinVar aggregate classification (germline): Uncertain significance (1 of 4 stars; one submission).

Conditions:
PLEC-related disorder. Also called: PLEC-related condition; PLEC-related disorders.

Submission:

PreventionGenetics, part of Exact Sciences
Classification: Uncertain significance for PLEC-related condition. Last evaluated: 2026-06-18. Review status: criteria provided, single submitter. Criteria: ACMG Guidelines, 2015. Collection method: clinical testing. Allele origin: germline.
Comment: The PLEC c.187G>C variant is predicted to result in the amino acid substitution p.Glu63Gln. To our knowledge, this variant has not been reported in the literature or in a large population database (gnomAD), indicating this variant is rare. At this time, the clinical significance of this variant is uncertain due to the absence of conclusive functional and genetic evidence.